The following is an entry in ClinVar:

ClinVar aggregate classification (germline): Uncertain significance. Review status: criteria provided, multiple submitters, no conflicts (2 of 4 stars). 2 submissions from 2 submitters: Uncertain significance (2). Last evaluated 2025-04-17.

Conditions:
Aortic aneurysm, familial thoracic 7 (AAT7). Also called: AORTIC DISSECTION, FAMILIAL, WITH OR WITHOUT AORTIC ANEURYSM. Identifiers: MedGen C3151077, MONDO:0013418, OMIM 613780.
Familial thoracic aortic aneurysm and aortic dissection (TAAD). Also called: Thoracic aortic aneurysms and dissections. Identifiers: Orphanet 91387, MedGen C4707243, MONDO:0019625.

gnomAD v4.1: 14 of 1,614,180 alleles (0.00087%); highest among the groups gnomAD compares: South Asian, 0.011%; no homozygotes.

Submissions (2):

Labcorp Genetics (formerly Invitae), Labcorp
Classification: Uncertain significance for Aortic aneurysm, familial thoracic 7. Last evaluated: 2025-04-17. Review status: criteria provided, single submitter. Criteria: Invitae Variant Classification Sherloc (09022015). Collection method: clinical testing. Allele origin: germline.
Comment: This sequence change replaces aspartic acid, which is acidic and polar, with asparagine, which is neutral and polar, at codon 1690 of the MYLK protein (p.Asp1690Asn). This variant is present in population databases (rs554444072, gnomAD 0.02%). This variant has not been reported in the literature in individuals affected with MYLK-related conditions. ClinVar contains an entry for this variant (Variation ID: 3297625). Invitae Evidence Modeling of protein sequence and biophysical properties (such as structural, functional, and spatial information, amino acid conservation, physicochemical variation, residue mobility, and thermodynamic stability) indicates that this missense variant is not expected to disrupt MYLK protein function with a negative predictive value of 95%. In summary, the available evidence is currently insufficient to determine the role of this variant in disease. Therefore, it has been classified as a Variant of Uncertain Significance.

Ambry Genetics
Classification: Uncertain significance for Familial thoracic aortic aneurysm and aortic dissection. Last evaluated: 2025-01-08. Review status: criteria provided, single submitter. Criteria: Ambry Variant Classification Scheme 2023. Collection method: clinical testing. Allele origin: germline.
Comment: The p.D1690N variant (also known as c.5068G>A), located in coding exon 27 of the MYLK gene, results from a G to A substitution at nucleotide position 5068. The aspartic acid at codon 1690 is replaced by asparagine, an amino acid with highly similar properties. This amino acid position is well conserved in available vertebrate species. In addition, this alteration is predicted to be tolerated by in silico analysis. Based on the available evidence, the clinical significance of this variant remains unclear.

NM_053025.4(MYLK):c.5068G>A (p.Asp1690Asn)

Genes: MYLK-AS1 (MYLK antisense RNA 1; plus strand), MYLK (myosin light chain kinase; minus strand), LOC126806791 (MED14-independent group 3 enhancer GRCh37_chr3:123347871-123349070; plus strand). Cytogenetic location: 3q21.1.
Variant type: single nucleotide variant.
Coding change: c.5068G>A on transcript NM_053025.4 (MANE Select); coding-DNA position 5068, G replaced by A.
Protein change: p.Asp1690Asn; replaces aspartic acid 1690 with asparagine.
Molecular consequence: missense variant. On other transcripts: non-coding transcript variant (2), intron variant (2).
Genome position (GRCh38, 1-based): chr3:123,629,520, C>T on the plus strand (G>A on the coding strand, the complement: MYLK is on the minus strand). VCF-style: chr3-123629520-C-T. GRCh37 (hg19) VCF-style: chr3-123348367-C-T.
Other names: c.4540G>A, p.Asp1514Asn (NM_001321309.2); c.4861G>A, p.Asp1621Asn (NM_053026.4); c.4755-2579G>A (NM_053028.4); c.4962-2579G>A (NM_053027.4); short protein forms D1690N, D1621N, D1514N.
Identifiers: ClinVar variation 3297625 (VCV003297625.4).